The following is an entry in ClinVar:

NM_001379500.1(COL18A1):c.2684-1G>A

Genes: SLC19A1 (solute carrier family 19 member 1; minus strand), COL18A1 (collagen type XVIII alpha 1 chain; plus strand). Cytogenetic location: 21q22.3.
Variant type: single nucleotide variant.
Coding change: c.2684-1G>A on transcript NM_001379500.1 (MANE Select); the canonical splice acceptor site of the intron before coding-DNA position 2684, G replaced by A.
Molecular consequence: splice acceptor variant.
Genome position (GRCh38, 1-based): chr21:45,504,010, G>A. VCF-style: chr21-45504010-G-A. GRCh37 (hg19) VCF-style: chr21-46923924-G-A.
Other names: c.3929-1G>A (NM_130444.3); c.3224-1G>A (NM_030582.4).
Identifiers: ClinVar variation 3633564 (VCV003633564.2).

ClinVar aggregate classification (germline): Likely pathogenic (1 of 4 stars; one submission).

gnomAD v4.1: 2 of 1,613,682 alleles (0.00012%); highest among the groups gnomAD compares: East Asian, 0.0022%; no homozygotes.

Submission:

Labcorp Genetics (formerly Invitae), Labcorp
Classification: Likely pathogenic. Last evaluated: 2025-12-08. Review status: criteria provided, single submitter. Criteria: Invitae Variant Classification Sherloc (09022015). Collection method: clinical testing. Allele origin: germline.
Comment: This sequence change affects an acceptor splice site in intron 32 of the COL18A1 gene. It is expected to disrupt RNA splicing. Variants that disrupt the donor or acceptor splice site typically lead to a loss of protein function (PMID: 16199547), and loss-of-function variants in COL18A1 are known to be pathogenic (PMID: 12415512, 25456301). This variant is not present in population databases (gnomAD no frequency). This variant has not been reported in the literature in individuals affected with COL18A1-related conditions. ClinVar contains an entry for this variant (Variation ID: 3633564). Algorithms developed to predict the effect of sequence changes on RNA splicing suggest that this variant may disrupt the consensus splice site. In summary, the currently available evidence indicates that the variant is pathogenic, but additional data are needed to prove that conclusively. Therefore, this variant has been classified as Likely Pathogenic.

Literature cited by the submitters: PubMed 16199547; PubMed 12415512; PubMed 25456301.